The following is an entry in ClinVar:

ClinVar aggregate classification (germline): Pathogenic. Review status: criteria provided, multiple submitters, no conflicts (2 of 4 stars). 2 submissions from 2 submitters: Pathogenic (2). Last evaluated 2024-05-30.

Conditions:
Inborn genetic diseases. Identifiers: MedGen C0950123, MeSH D030342.

Submissions (2):

Ambry Genetics
Classification: Pathogenic for Inborn genetic diseases. Last evaluated: 2024-05-30. Review status: criteria provided, single submitter. Criteria: Ambry Variant Classification Scheme 2023. Collection method: clinical testing. Allele origin: germline.
Comment: The c.1358delA (p.N453Tfs*2) alteration, located in exon 9 (coding exon 9) of the CUL3 gene, consists of a deletion of one nucleotide at position 1358, causing a translational frameshift with a predicted alternate stop codon after 2 amino acids. This alteration is expected to result in loss of function by premature protein truncation or nonsense-mediated mRNA decay. Although loss of function of CUL3 has been associated with CUL3-related neurodevelopmental disorder, loss of function of CUL3 has not been established as a mechanism of disease for CUL3-related pseudohypoaldosteronism type II. for CUL3-related neurodevelopmental disorder; however, its clinical significance for CUL3-related pseudohypoaldosteronism type II is uncertain. This variant was was flagged as a low confidence call in the Genome Aggregation Database (gnomAD). Based on the available evidence, this alteration is classified as pathogenic.

Labcorp Genetics (formerly Invitae), Labcorp
Classification: Pathogenic. Last evaluated: 2022-01-04. Review status: criteria provided, single submitter. Criteria: Invitae Variant Classification Sherloc (09022015). Collection method: clinical testing. Allele origin: germline.
Comment: This variant has not been reported in the literature in individuals affected with CUL3-related conditions. For these reasons, this variant has been classified as Pathogenic. This variant is not present in population databases (gnomAD no frequency). This sequence change creates a premature translational stop signal (p.Asn453Thrfs*2) in the CUL3 gene. It is expected to result in an absent or disrupted protein product. Loss-of-function variants in CUL3 are known to be pathogenic (PMID: 32341456).

Literature cited by the submitters: PubMed 32341456 (cited by Labcorp Genetics (formerly Invitae), Labcorp).

NM_003590.5(CUL3):c.1358del (p.Asn453fs)

Gene: CUL3 (cullin 3; minus strand). Cytogenetic location: 2q36.2.
Variant type: Deletion.
Coding change: c.1358del on transcript NM_003590.5 (MANE Select); coding-DNA position 1358, one base deleted (A; older notation c.1358delA).
Protein change: p.Asn453fs; shifts the reading frame from asparagine 453.
Molecular consequence: frameshift variant.
Genome position (GRCh38, 1-based): chr2:224,503,671, T deleted on the plus strand (A on the coding strand, the reverse complement: CUL3 is on the minus strand); the first of 7 consecutive T bases (chr2:224,503,671-224,503,677); deleting any one gives the same sequence. VCF-style (leftmost placement, unchanged base first): chr2-224503670-GT-G. GRCh37 (hg19) VCF-style: chr2-225368387-GT-G.
Other names: c.1358delA (NM_003590.3); c.1160del, p.Asn387fs (NM_001257197.2); c.1376del, p.Asn459fs (NM_001257198.2); short protein forms N387fs, N453fs, N459fs.
Identifiers: ClinVar variation 1925139 (VCV001925139.6), dbSNP rs1366667901, ClinGen allele CA539863150.